The following is an entry in ClinVar:

ClinVar aggregate classification (germline): Uncertain significance (1 of 4 stars; one submission).

Conditions:
Progressive myoclonic epilepsy. Also called: Familial progressive myoclonic epilepsy; Myoclonus epilepsy; Progressive myoclonus epilepsy; Myoclonic Epilepsies, Progressive. Identifiers: Orphanet 308, Orphanet 98261, MedGen C0751778, MONDO:0020074.

Allele frequency attached by ClinVar (database versions not stated): gnomAD exomes below 0.00001; ExAC 0.00001.
gnomAD v4.1: 1 of 1,614,086 alleles (0.000062%); highest among the groups gnomAD compares: South Asian, 0.0011%; no homozygotes.

Submission:

Labcorp Genetics (formerly Invitae), Labcorp
Classification: Uncertain significance for Progressive myoclonic epilepsy. Last evaluated: 2021-08-30. Review status: criteria provided, single submitter. Criteria: Invitae Variant Classification Sherloc (09022015). Collection method: clinical testing. Allele origin: germline.
Comment: This sequence change replaces isoleucine with valine at codon 147 of the GOSR2 protein (p.Ile147Val). The isoleucine residue is highly conserved and there is a small physicochemical difference between isoleucine and valine. This variant is present in population databases (rs757363374, ExAC 0.006%). This variant has not been reported in the literature in individuals affected with GOSR2-related conditions. Algorithms developed to predict the effect of missense changes on protein structure and function (SIFT, PolyPhen-2, Align-GVGD) all suggest that this variant is likely to be tolerated. In summary, the available evidence is currently insufficient to determine the role of this variant in disease. Therefore, it has been classified as a Variant of Uncertain Significance.

NM_004287.5(GOSR2):c.439A>G (p.Ile147Val)

Genes: GOSR2 (golgi SNAP receptor complex member 2; plus strand), LRRC37A2 (leucine rich repeat containing 37 member A2). Cytogenetic location: 17q21.32.
Variant type: single nucleotide variant.
Coding change: c.439A>G on transcript NM_004287.5 (MANE Select); coding-DNA position 439, A replaced by G.
Protein change: p.Ile147Val; replaces isoleucine 147 with valine.
Molecular consequence: missense variant. On other transcripts: non-coding transcript variant (1), intron variant (4).
Genome position (GRCh38, 1-based): chr17:46,935,131, A>G. VCF-style: chr17-46935131-A-G. GRCh37 (hg19) VCF-style: chr17-45012497-A-G.
Other names: c.439A>G, p.Ile147Val (NM_001012511.3, NM_001321133.2, NM_054022.4); c.436A>G, p.Ile146Val (NM_001353114.2); c.385A>G, p.Ile129Val (NM_001363851.2); c.282+2932A>G (NM_001321134.2); c.336+2932A>G (NM_001330252.2); c.333+2932A>G (NM_001353115.2, NM_001353116.2); short protein forms I129V, I146V, I147V.
Identifiers: ClinVar variation 1015077 (VCV001015077.6), dbSNP rs757363374, ClinGen allele CA8621294.